The following is an entry in ClinVar:

ClinVar aggregate classification (germline): Pathogenic. Review status: criteria provided, multiple submitters, no conflicts (2 of 4 stars). 2 submissions from 2 submitters: Pathogenic (2). Last evaluated 2024-09-12.

Conditions:
Lynch syndrome 5 (LYNCH5). Also called: Colorectal cancer, hereditary nonpolyposis, type 5; Hereditary non-polyposis colorectal cancer, type 5. Identifiers: Orphanet 144, MedGen C1833477, MONDO:0013710, OMIM 614350. Disease mechanism: loss of function.
Hereditary nonpolyposis colorectal neoplasms. Identifiers: MedGen C0009405, MeSH D003123.

Submissions (2):

Molecular Pathology, Peter Maccallum Cancer Centre
Classification: Pathogenic for Lynch syndrome 5. Last evaluated: 2024-09-12. Review status: criteria provided, single submitter. Criteria: ACMG Guidelines, 2015. Collection method: clinical testing. Allele origin: germline. Inheritance: Autosomal dominant inheritance.

Labcorp Genetics (formerly Invitae), Labcorp
Classification: Pathogenic for Hereditary nonpolyposis colorectal neoplasms. Last evaluated: 2023-08-16. Review status: criteria provided, single submitter. Criteria: Invitae Variant Classification Sherloc (09022015). Collection method: clinical testing. Allele origin: germline.
Comment: This variant is not present in population databases (gnomAD no frequency). This sequence change creates a premature translational stop signal (p.Leu60Glyfs*41) in the MSH6 gene. It is expected to result in an absent or disrupted protein product. Loss-of-function variants in MSH6 are known to be pathogenic (PMID: 18269114, 24362816). This variant has not been reported in the literature in individuals affected with MSH6-related conditions. For these reasons, this variant has been classified as Pathogenic.

Literature cited by the submitters: PubMed 18269114 (cited by Labcorp Genetics (formerly Invitae), Labcorp); PubMed 24362816 (cited by Labcorp Genetics (formerly Invitae), Labcorp).

NM_000179.3(MSH6):c.144_177dup (p.Leu60fs)

Gene: MSH6 (mutS homolog 6; plus strand). Cytogenetic location: 2p16.3.
Variant type: Duplication.
Coding change: c.144_177dup on transcript NM_000179.3 (MANE Select); coding-DNA positions 144 to 177, 34 bases duplicated.
Protein change: p.Leu60fs; shifts the reading frame from leucine 60.
Molecular consequence: frameshift variant. On other transcripts: 5 prime UTR variant (7), non-coding transcript variant (5), intron variant (5).
Genome position (GRCh38, 1-based): chr2:47,783,377-47,783,410, 34 bases duplicated; duplicating any 34 consecutive bases within chr2:47,783,376-47,783,410 gives the same sequence; the c. name uses the placement nearest the transcript's 3' end. GRCh37 (hg19): chr2:48,010,516-48,010,549.
Other names: c.144_177dup, p.Leu60fs (NM_001281492.2, NM_001406795.1, NM_001406796.1 and 9 more transcripts); c.-593_-560dup (NM_001281493.2, NM_001406811.1); c.-185_-152dup (NM_001406799.1); c.89_122dup, p.Trp42fs (NM_001406804.1); c.-785_-752dup (NM_001406807.1); c.-440_-407dup (NM_001406812.1); c.-851_-818dup (NM_001406814.1); c.-396_-363dup (NM_001406816.1); and 3 more; short protein forms L60fs, W42fs.
Identifiers: ClinVar variation 2752844 (VCV002752844.4), dbSNP rs2530318697, ClinGen allele CA2695202242.